The following is an entry in ClinVar:

ClinVar aggregate classification (germline): Conflicting classifications of pathogenicity. Review status: criteria provided, conflicting classifications (1 of 4 stars). 8 submissions from 5 submitters: Uncertain significance (7); Benign (1). Last evaluated 2025-10-20.

Conditions:
CFH-Related Dense Deposit Disease / Membranoproliferative Glomerulonephritis Type II. Identifiers: MedGen CN071292.
Hemolytic uremic syndrome, atypical, susceptibility to, 1. Also called: AHUS, SUSCEPTIBILITY TO, 1. Identifiers: Orphanet 2134, Orphanet 90038, MedGen C2749604, MONDO:0009335, OMIM 235400. Disease mechanism: Other.
Age related macular degeneration 4. Identifiers: MedGen C1853147, MONDO:0012540, OMIM 610698.
Factor H deficiency (CFHD). Also called: CFH DEFICIENCY; COMPLEMENT FACTOR H DEFICIENCY. Identifiers: Orphanet 200421, MedGen C0398777, MONDO:0012350, OMIM 609814.
Basal laminar drusen. Also called: DRUSEN OF BRUCH MEMBRANE; DRUSEN, CUTICULAR; DRUSEN, EARLY ADULT-ONSET, GROUPED. Identifiers: Orphanet 75376, MedGen C0730295, MONDO:0007472, OMIM 126700.
Atypical hemolytic-uremic syndrome. Identifiers: Orphanet 2134, MedGen C2931788, MONDO:0016244.
Inborn genetic diseases. Identifiers: MedGen C0950123, MeSH D030342.

Allele frequency attached by ClinVar (database versions not stated): gnomAD 0.00001; gnomAD exomes 0.00002 and 0.00008; TOPMed 0.00003; ExAC 0.00006; ESP Exome Variant Server 0.00008.
gnomAD v4.1: 29 of 1,613,740 alleles (0.0018%); highest among the groups gnomAD compares: East Asian, 0.054%; no homozygotes.

Submissions (8):

Labcorp Genetics (formerly Invitae), Labcorp
Classification: Uncertain significance. Last evaluated: 2025-10-20. Review status: criteria provided, single submitter. Criteria: Invitae Variant Classification Sherloc (09022015). Collection method: clinical testing. Allele origin: germline.
Comment: This sequence change replaces proline, which is neutral and non-polar, with serine, which is neutral and polar, at codon 982 of the CFH protein (p.Pro982Ser). This variant is present in population databases (rs149938052, gnomAD 0.09%). This missense change has been observed in individual(s) with CFH-related conditions (PMID: 25443527). ClinVar contains an entry for this variant (Variation ID: 874381). An algorithm developed to predict the effect of missense changes on protein structure and function (PolyPhen-2) suggests that this variant is likely to be disruptive. In summary, the available evidence is currently insufficient to determine the role of this variant in disease. Therefore, it has been classified as a Variant of Uncertain Significance.

Genomenon, Inc
Classification: Uncertain significance for Atypical hemolytic-uremic syndrome; Age related macular degeneration 4. Last evaluated: 2025-10-02. Review status: criteria provided, single submitter. Criteria: Genomenon Sequence Variant Interpretation Standards - Updated. Collection method: curation. Allele origin: germline. Affected: yes.
Comment: CFH p.Pro982Ser (c.2944C>T) is a missense variant that changes the amino acid at residue 982 from Proline to Serine. This variant has been observed in at least one proband affected with a CFH-related disorder (PMID:18421087;25443527). In conclusion, we classify CFH p.Pro982Ser (c.2944C>T) as a variant of uncertain significance.

Ambry Genetics
Classification: Uncertain significance for Inborn genetic diseases. Last evaluated: 2025-06-03. Review status: criteria provided, single submitter. Criteria: Ambry Variant Classification Scheme 2023. Collection method: clinical testing. Allele origin: germline.

Fulgent Genetics
Classification: Uncertain significance for Basal laminar drusen; Hemolytic uremic syndrome, atypical, susceptibility to, 1; Factor H deficiency; Age related macular degeneration 4. Last evaluated: 2024-06-03. Review status: criteria provided, single submitter. Criteria: ACMG Guidelines, 2015. Collection method: clinical testing. Allele origin: germline.

Illumina Laboratory Services, Illumina
Classification: Uncertain significance for Basal laminar drusen. Last evaluated: 2017-04-27. Review status: criteria provided, single submitter. Criteria: ICSL Variant Classification Criteria 13 December 2019. Collection method: clinical testing. Allele origin: germline.

Illumina Laboratory Services, Illumina
Classification: Benign for Hemolytic uremic syndrome, atypical, susceptibility to, 1. Last evaluated: 2017-04-27. Review status: criteria provided, single submitter. Criteria: ICSL Variant Classification Criteria 13 December 2019. Collection method: clinical testing. Allele origin: germline.
Comment: This variant was observed as part of a predisposition screen in an ostensibly healthy population. A literature search was performed for the gene, cDNA change, and amino acid change (where applicable). No publications were found based on this search. Allele frequency data from public databases was too high to be consistent with this variant causing disease. Therefore, this variant is classified as benign.

Illumina Laboratory Services, Illumina
Classification: Uncertain significance for Membranoproliferative glomerulonephritis with complement factor h deficiency. Last evaluated: 2017-04-27. Review status: criteria provided, single submitter. Criteria: ICSL Variant Classification Criteria 13 December 2019. Collection method: clinical testing. Allele origin: germline.

Illumina Laboratory Services, Illumina
Classification: Uncertain significance for Age related macular degeneration 4. Last evaluated: 2017-04-27. Review status: criteria provided, single submitter. Criteria: ICSL Variant Classification Criteria 13 December 2019. Collection method: clinical testing. Allele origin: germline.

Literature cited by the submitters: PubMed 25443527 (cited by Labcorp Genetics (formerly Invitae), Labcorp and Genomenon, Inc); PubMed 18421087 (cited by Genomenon, Inc); PubMed 22609532 (cited by Ambry Genetics); PubMed 26496393 (cited by Ambry Genetics).

NM_000186.4(CFH):c.2944C>T (p.Pro982Ser)

Gene: CFH (complement factor H; plus strand). Cytogenetic location: 1q31.3.
Variant type: single nucleotide variant.
Coding change: c.2944C>T on transcript NM_000186.4 (MANE Select); coding-DNA position 2944, C replaced by T.
Protein change: p.Pro982Ser; replaces proline 982 with serine.
Molecular consequence: missense variant.
Genome position (GRCh38, 1-based): chr1:196,740,780, C>T. VCF-style: chr1-196740780-C-T. GRCh37 (hg19) VCF-style: chr1-196709910-C-T.
Other names: short protein forms P982S.
Identifiers: ClinVar variation 874381 (VCV000874381.9), dbSNP rs149938052, ClinGen allele CA1305781.